The following is an entry in ClinVar:

NM_001201543.2(FAM161A):c.2065G>T (p.Asp689Tyr)

Gene: FAM161A (FAM161 centrosomal protein A; minus strand). Cytogenetic location: 2p15.
Variant type: single nucleotide variant.
Coding change: c.2065G>T on transcript NM_001201543.2 (MANE Select); coding-DNA position 2065, G replaced by T.
Protein change: p.Asp689Tyr; replaces aspartic acid 689 with tyrosine.
Molecular consequence: missense variant. On other transcripts: non-coding transcript variant (1).
Genome position (GRCh38, 1-based): chr2:61,826,541, C>A on the plus strand (G>T on the coding strand, the complement: FAM161A is on the minus strand). VCF-style: chr2-61826541-C-A. GRCh37 (hg19) VCF-style: chr2-62053676-C-A.
Other names: c.1897G>T, p.Asp633Tyr (NM_032180.3); short protein forms D633Y, D689Y.
Identifiers: ClinVar variation 862611 (VCV000862611.9), dbSNP rs191862300, ClinGen allele CA1678947.
Genomic context (GRCh38, chr2:61,826,541, plus strand): 5'-CTTCTTCACTTTCCTCATTGGCTTCATCTTTTTCCTTGTAAGAATCCTGGCTGTTGGTAT[C>A]AATAAAATAATTTTCTTCCCCATTCTCTCTTTCTTCTATTTTTTCTTCTTCATTAAAGCT-3'
Protein context (NP_001188472.1, residues 679-699): RENGEENYFI[Asp689Tyr]TNSQDSYKEK

ClinVar aggregate classification (germline): Uncertain significance. Review status: criteria provided, multiple submitters, no conflicts (2 of 4 stars). 5 submissions from 5 submitters: Uncertain significance (3). 2 of the submissions do not count toward it. Last evaluated 2025-05-26.

Conditions:
FAM161A-related disorder. Also called: FAM161A-related condition.
Inborn genetic diseases. Identifiers: MedGen C0950123, MeSH D030342.
Retinitis pigmentosa (RP). Identifiers: Orphanet 791, MedGen C0035334, MeSH D012174, MONDO:0019200, OMIM 268000. Inheritance: Autosomal dominant, autosomal recessive and X linked inheritance.

Allele frequency attached by ClinVar (database versions not stated): gnomAD exomes 0.00001 and 0.00003; ExAC 0.00005; TOPMed 0.00011; gnomAD 0.00014; 1000 Genomes Project 30x 0.00031; 1000 Genomes Project 0.00040.

Submissions (5):

Ambry Genetics
Classification: Uncertain significance for Inborn genetic diseases. Last evaluated: 2025-05-26. Review status: criteria provided, single submitter. Criteria: Ambry Variant Classification Scheme 2023. Collection method: clinical testing. Allele origin: germline.

Blueprint Genetics
Classification: Uncertain significance. Last evaluated: 2024-07-02. Review status: criteria provided, single submitter. Criteria: ACMG Guidelines, 2015. Collection method: clinical testing. Allele origin: germline.

Labcorp Genetics (formerly Invitae), Labcorp
Classification: Uncertain significance. Last evaluated: 2023-11-27. Review status: criteria provided, single submitter. Criteria: Invitae Variant Classification Sherloc (09022015). Collection method: clinical testing. Allele origin: germline.
Comment: This sequence change replaces aspartic acid, which is acidic and polar, with tyrosine, which is neutral and polar, at codon 689 of the FAM161A protein (p.Asp689Tyr). This variant is present in population databases (rs191862300, gnomAD 0.05%). This variant has not been reported in the literature in individuals affected with FAM161A-related conditions. ClinVar contains an entry for this variant (Variation ID: 862611). An algorithm developed to predict the effect of missense changes on protein structure and function (PolyPhen-2) suggests that this variant is likely to be disruptive. Algorithms developed to predict the effect of sequence changes on RNA splicing suggest that this variant may create or strengthen a splice site. In summary, the available evidence is currently insufficient to determine the role of this variant in disease. Therefore, it has been classified as a Variant of Uncertain Significance.

PreventionGenetics, part of Exact Sciences
Classification: Uncertain significance for FAM161A-related condition. Last evaluated: 2024-09-10. Review status: no assertion criteria provided. Collection method: clinical testing. Allele origin: germline. Not counted in ClinVar's aggregate classification.
Comment: The FAM161A c.2065G>T variant is predicted to result in the amino acid substitution p.Asp689Tyr. To our knowledge, this variant has not been reported in the literature. This variant is reported in 0.047% of alleles in individuals of African descent in gnomAD. At this time, the clinical significance of this variant is uncertain due to the absence of conclusive functional and genetic evidence.

Natera, Inc.
Classification: Uncertain significance for Retinitis pigmentosa. Last evaluated: 2020-09-16. Review status: no assertion criteria provided. Collection method: clinical testing. Allele origin: germline. Not counted in ClinVar's aggregate classification.